The following is an entry in ClinVar:

ClinVar aggregate classification (germline): Uncertain significance (1 of 4 stars; one submission).

Allele frequency attached by ClinVar (database versions not stated): gnomAD exomes below 0.00001; ExAC 0.00001; gnomAD 0.00001; TOPMed 0.00001; ESP Exome Variant Server 0.00008.

Submission:

Labcorp Genetics (formerly Invitae), Labcorp
Classification: Uncertain significance. Last evaluated: 2023-07-21. Review status: criteria provided, single submitter. Criteria: Invitae Variant Classification Sherloc (09022015). Collection method: clinical testing. Allele origin: germline.
Comment: This variant has not been reported in the literature in individuals affected with CACNA1E-related conditions. This sequence change replaces arginine, which is basic and polar, with histidine, which is basic and polar, at codon 157 of the CACNA1E protein (p.Arg157His). This variant is present in population databases (rs373195246, gnomAD 0.0009%). ClinVar contains an entry for this variant (Variation ID: 1359586). Advanced modeling of protein sequence and biophysical properties (such as structural, functional, and spatial information, amino acid conservation, physicochemical variation, residue mobility, and thermodynamic stability) performed at Invitae indicates that this missense variant is expected to disrupt CACNA1E protein function. In summary, the available evidence is currently insufficient to determine the role of this variant in disease. Therefore, it has been classified as a Variant of Uncertain Significance.

NM_001205293.3(CACNA1E):c.470G>A (p.Arg157His)

Gene: CACNA1E (calcium voltage-gated channel subunit alpha1 E; plus strand). Cytogenetic location: 1q25.3.
Variant type: single nucleotide variant.
Coding change: c.470G>A on transcript NM_001205293.3 (MANE Select); coding-DNA position 470, G replaced by A.
Protein change: p.Arg157His; replaces arginine 157 with histidine.
Molecular consequence: missense variant.
Genome position (GRCh38, 1-based): chr1:181,511,468, G>A. VCF-style: chr1-181511468-G-A. GRCh37 (hg19) VCF-style: chr1-181480604-G-A.
Other names: c.470G>A, p.Arg157His (NM_000721.4, NM_001205294.2); short protein forms R157H.
Identifiers: ClinVar variation 1359586 (VCV001359586.8), dbSNP rs373195246, ClinGen allele CA1274899.